The following is an entry in ClinVar:

NM_001182.5(ALDH7A1):c.575C>A (p.Thr192Lys)

Gene: ALDH7A1 (aldehyde dehydrogenase 7 family member A1; minus strand). Cytogenetic location: 5q23.2.
Variant type: single nucleotide variant.
Coding change: c.575C>A on transcript NM_001182.5 (MANE Select); coding-DNA position 575, C replaced by A.
Protein change: p.Thr192Lys; replaces threonine 192 with lysine.
Molecular consequence: missense variant.
Genome position (GRCh38, 1-based): chr5:126,577,154, G>T on the plus strand (C>A on the coding strand, the complement: ALDH7A1 is on the minus strand). VCF-style: chr5-126577154-G-T. GRCh37 (hg19) VCF-style: chr5-125912846-G-T.
Other names: c.491C>A, p.Thr164Lys (NM_001201377.2); c.575C>A, p.Thr192Lys (NM_001202404.2); short protein forms T164K, T192K.
Identifiers: ClinVar variation 3384681 (VCV003384681.1).

ClinVar aggregate classification (germline): Likely pathogenic (1 of 4 stars; one submission).

Conditions:
Pyridoxine-dependent epilepsy (EPEO4). Also called: PYRIDOXINE DEPENDENCY WITH SEIZURES; Pyridoxine-Dependent Seizures; Pyridoxine-Dependent Epilepsy - ALDH7A1; EPILEPSY, EARLY-ONSET, 4, VITAMIN B6-DEPENDENT. Identifiers: Orphanet 3006, MedGen C1849508, MONDO:0009945, OMIM 266100. Disease mechanism: loss of function.

Submission:

Neurogenetics Team, Indira Gandhi Institute of Child Health
Classification: Likely pathogenic for Pyridoxine-dependent epilepsy. Last evaluated: 2024-10-18. Review status: criteria provided, single submitter. Criteria: ACMG Guidelines, 2015. Collection method: clinical testing. Allele origin: biparental. Inheritance: Autosomal recessive inheritance. Affected: yes. Observed: 1 homozygote.
Comment: The variant c.575C>A, p.(Ala192Glu) has been reported in extremely low frequency in GnomAD (PM2), multiple insilico tools predict the variant to be damaging. (PP3). The variant is found in a mutational hot spot and the region is identified to be critical for protein function (PM1). The variant is identified in a gene where missense mutation is a common mechanism for disease causation (PP2). Same codon with a different aminoacid change has been reported as pathogenic in ClinVar (PM5). Based on the above findings, the variant is classified as likely pathogenic as per ACMG-AMP classification for sequence variants.